The following is an entry in ClinVar:

ClinVar aggregate classification (germline): Uncertain significance. Review status: criteria provided, single submitter (1 of 4 stars). 2 submissions from 2 submitters: Uncertain significance (1). 1 of the submissions does not count toward it. Last evaluated 2025-07-15.

Conditions:
FAT1-related disorder. Also called: FAT1-related condition.
Inborn genetic diseases. Identifiers: MedGen C0950123, MeSH D030342.

gnomAD v4.1: 21 of 1,613,878 alleles (0.0013%); highest among the groups gnomAD compares: Middle Eastern, 0.016%; no homozygotes.

Submissions (2):

Ambry Genetics
Classification: Uncertain significance for Inborn genetic diseases. Last evaluated: 2025-07-15. Review status: criteria provided, single submitter. Criteria: Ambry Variant Classification Scheme 2023. Collection method: clinical testing. Allele origin: germline.

PreventionGenetics, part of Exact Sciences
Classification: Uncertain significance for FAT1-related condition. Last evaluated: 2024-05-09. Review status: no assertion criteria provided. Collection method: clinical testing. Allele origin: germline. Not counted in ClinVar's aggregate classification.
Comment: The FAT1 c.13597G>A variant is predicted to result in the amino acid substitution p.Glu4533Lys. To our knowledge, this variant has not been reported in the literature. This variant is reported in 0.0087% of alleles in individuals of Latino descent in gnomAD. At this time, the clinical significance of this variant is uncertain due to the absence of conclusive functional and genetic evidence.

NM_005245.4(FAT1):c.13597G>A (p.Glu4533Lys)

Genes: FAT1 (FAT atypical cadherin 1; minus strand), LOC126807253 (BRD4-independent group 4 enhancer GRCh37_chr4:187509297-187510496; plus strand). Cytogenetic location: 4q35.2.
Variant type: single nucleotide variant.
Coding change: c.13597G>A on transcript NM_005245.4 (MANE Select); coding-DNA position 13597, G replaced by A.
Protein change: p.Glu4533Lys; replaces glutamic acid 4533 with lysine.
Molecular consequence: missense variant.
Genome position (GRCh38, 1-based): chr4:186,588,762, C>T on the plus strand (G>A on the coding strand, the complement: FAT1 is on the minus strand). VCF-style: chr4-186588762-C-T. GRCh37 (hg19) VCF-style: chr4-187509916-C-T.
Other names: short protein forms E4533K.
Identifiers: ClinVar variation 3353094 (VCV003353094.2).